The following is an entry in ClinVar:

NM_001037730.1(DEFB115):c.201C>A (p.Val67=)

Gene: DEFB115 (defensin beta 115; plus strand). Cytogenetic location: 20q11.21.
Variant type: single nucleotide variant.
Coding change: c.201C>A on transcript NM_001037730.1 (MANE Select); coding-DNA position 201, C replaced by A.
Protein change: p.Val67=; no amino-acid change (valine 67 retained).
Molecular consequence: synonymous variant.
Genome position (GRCh38, 1-based): chr20:31,259,566, C>A. VCF-style: chr20-31259566-C-A. GRCh37 (hg19) VCF-style: chr20-29847369-C-A.
Identifiers: ClinVar variation 4681723 (VCV004681723.5).

ClinVar aggregate classification (germline): Likely benign (1 of 4 stars; one submission).

gnomAD v4.1: 4 of 1,611,776 alleles (0.00025%); highest among the groups gnomAD compares: Non-Finnish European, 0.00034%; no homozygotes.

Submission:

CeGaT Center for Human Genetics Tuebingen
Classification: Likely benign. Last evaluated: 2025-12-01. Review status: criteria provided, single submitter. Criteria: CeGaT Center For Human Genetics Tuebingen Variant Classification Criteria Version 2. Collection method: clinical testing. Allele origin: germline. Affected: yes. Observed: 1 variant allele.
Comment: DEFB115: BP4, BP7